The following is an entry in ClinVar:

NM_002693.3(POLG):c.1579C>G (p.Gln527Glu)

Gene: POLG (DNA polymerase gamma, catalytic subunit; minus strand). Cytogenetic location: 15q26.1.
Variant type: single nucleotide variant.
Coding change: c.1579C>G on transcript NM_002693.3 (MANE Select); coding-DNA position 1579, C replaced by G.
Protein change: p.Gln527Glu; replaces glutamine 527 with glutamic acid.
Molecular consequence: missense variant.
Genome position (GRCh38, 1-based): chr15:89,326,918, G>C on the plus strand (C>G on the coding strand, the complement: POLG is on the minus strand). VCF-style: chr15-89326918-G-C. GRCh37 (hg19) VCF-style: chr15-89870149-G-C.
Other names: c.1579C>G, p.Gln527Glu (NM_001126131.2); short protein forms Q527E.
Identifiers: ClinVar variation 2009979 (VCV002009979.4), dbSNP rs2509254523, ClinGen allele CA393760713.
Genomic context (GRCh38, chr15:89,326,918, plus strand): 5'-GACCTTCCCAGAGACAACCCCTACCCTACCCTACCTCCCACCCATGCTCCCCACCTTCCT[G>C]ATCCATGGGATCACCAGGGGCCCCAGCCCCCTCGATGGGCAACTTGCTGGCTGTGGCTGG-3'
Protein context (NP_002684.1, residues 517-537): GAGAPGDPMD[Gln527Glu]EDLGPCSEEE

ClinVar aggregate classification (germline): Uncertain significance (1 of 4 stars; one submission).

Conditions:
Progressive sclerosing poliodystrophy (MTDPS4A). Also called: Mitochondrial DNA Depletion Syndrome 4A; ALPERS PROGRESSIVE INFANTILE POLIODYSTROPHY; NEURONAL DEGENERATION OF CHILDHOOD WITH LIVER DISEASE, PROGRESSIVE; Mitochondrial DNA depletion syndrome 4A (Alpers type); Alpers Syndrome; ALPERS DIFFUSE DEGENERATION OF CEREBRAL GRAY MATTER WITH HEPATIC CIRRHOSIS. Identifiers: Orphanet 726, MedGen C0205710, MONDO:0008758, OMIM 203700.

Submission:

Labcorp Genetics (formerly Invitae), Labcorp
Classification: Uncertain significance for Progressive sclerosing poliodystrophy. Last evaluated: 2022-06-23. Review status: criteria provided, single submitter. Criteria: Invitae Variant Classification Sherloc (09022015). Collection method: clinical testing. Allele origin: germline.
Comment: This variant has not been reported in the literature in individuals affected with POLG-related conditions. This variant is not present in population databases (gnomAD no frequency). This sequence change replaces glutamine, which is neutral and polar, with glutamic acid, which is acidic and polar, at codon 527 of the POLG protein (p.Gln527Glu). Algorithms developed to predict the effect of missense changes on protein structure and function output the following: SIFT: "Tolerated"; PolyPhen-2: "Benign"; Align-GVGD: "Class C0". The glutamic acid amino acid residue is found in multiple mammalian species, which suggests that this missense change does not adversely affect protein function. In summary, the available evidence is currently insufficient to determine the role of this variant in disease. Therefore, it has been classified as a Variant of Uncertain Significance.